The following is an entry in ClinVar:

NM_002860.4(ALDH18A1):c.1596_1600del (p.Val533fs)

Gene: ALDH18A1 (aldehyde dehydrogenase 18 family member A1; minus strand). Cytogenetic location: 10q24.1.
Variant type: Deletion.
Coding change: c.1596_1600del on transcript NM_002860.4 (MANE Select); coding-DNA positions 1596 to 1600, 5 bases deleted (CGTGC; older notation c.1596_1600delCGTGC).
Protein change: p.Val533fs; shifts the reading frame from valine 533.
Molecular consequence: frameshift variant.
Genome position (GRCh38, 1-based): chr10:95,616,482-95,616,486, GCACG deleted on the plus strand (CGTGC on the coding strand, the reverse complement: ALDH18A1 is on the minus strand); deleting any 5 consecutive bases within chr10:95,616,482-95,616,488 gives the same sequence; the c. name uses the placement nearest the transcript's 3' end. VCF-style (leftmost placement, unchanged base first): chr10-95616481-TGCACG-T. GRCh37 (hg19) VCF-style: chr10-97376238-TGCACG-T.
Other names: c.1596_1600delCGTGC (NM_002860.3); c.960_964del, p.Val321fs (NM_001323419.2); c.1590_1594del, p.Val531fs (NM_001017423.2, NM_001323415.2); c.1263_1267del, p.Val422fs (NM_001323412.2, NM_001323416.2); c.1596_1600del, p.Val533fs (NM_001323413.2, NM_001323414.2); c.1491_1495del, p.Val498fs (NM_001323417.2); c.1257_1261del, p.Val420fs (NM_001323418.2); short protein forms V321fs, V420fs, V422fs, V498fs, V531fs, V533fs.
Identifiers: ClinVar variation 1333373 (VCV001333373.3), dbSNP rs2097844381, ClinGen allele CA931469850.
Genomic context (GRCh38, chr10:95,616,481, plus strand): 5'-CCAAACACCTGATCTGGCCCCTCTGGGCCTGACTTGGTGCATTCCCAGGGACCTACCAGT[TGCACG>T]GCCTCCTTGACTCCATGGATTGAGAGAGCCTCCTGGGTCAGGAGGTGGAGAATCCGGTTG-3'

ClinVar aggregate classification (germline): Pathogenic/Likely pathogenic. Review status: criteria provided, multiple submitters, no conflicts (2 of 4 stars). 3 submissions from 3 submitters: Pathogenic (2); Likely pathogenic (1). Last evaluated 2026-01-08.

Conditions:
Inborn genetic diseases. Identifiers: MedGen C0950123, MeSH D030342.
Autosomal recessive complex spastic paraplegia type 9B. Also called: Spastic paraplegia 9b, autosomal recessive. Identifiers: Orphanet 447760, MedGen C5568980, MONDO:0014702, OMIM 616586.
Autosomal dominant spastic paraplegia type 9. Identifiers: MedGen C1832669, MONDO:0015091.
Cutis laxa, autosomal dominant 3 (ADCL3). Identifiers: Orphanet 90348, MedGen C4225268, MONDO:0014706, OMIM 616603.
de Barsy syndrome. Also called: Cutis laxa-corneal clouding-oligophrenia syndrome. Identifiers: Orphanet 2962, MedGen C0268354, MONDO:0017569.

Submissions (3):

Ambry Genetics
Classification: Pathogenic for Inborn genetic diseases. Last evaluated: 2026-01-08. Review status: criteria provided, single submitter. Criteria: Ambry Variant Classification Scheme 2023. Collection method: clinical testing. Allele origin: germline.
Comment: The c.1596_1600delCGTGC (p.V533Tfs*9) alteration, located in exon 13 (coding exon 12) of the ALDH18A1 gene, consists of a deletion of 5 nucleotides from position 1596 to 1600, causing a translational frameshift with a predicted alternate stop codon after 9 amino acids. This alteration is expected to result in loss of function by premature protein truncation or nonsense-mediated mRNA decay. Although biallelic loss of function of ALDH18A1 has been associated with autosomal recessive P5CS deficiency, haploinsufficiency of ALDH18A1 has not been established as a mechanism of disease for autosomal dominant P5CS deficiency. for autosomal recessive P5CS deficiency; however, its clinical significance for autosomal dominant P5CS deficiency is unclear. This variant was not reported in population-based cohorts in the Genome Aggregation Database (gnomAD). Based on the available evidence, this alteration is classified as pathogenic.

Labcorp Genetics (formerly Invitae), Labcorp
Classification: Pathogenic for Autosomal dominant spastic paraplegia type 9; de Barsy syndrome; Cutis laxa, autosomal dominant 3. Last evaluated: 2025-02-07. Review status: criteria provided, single submitter. Criteria: Invitae Variant Classification Sherloc (09022015). Collection method: clinical testing. Allele origin: germline.
Comment: This sequence change creates a premature translational stop signal (p.Val533Thrfs*9) in the ALDH18A1 gene. It is expected to result in an absent or disrupted protein product. Loss-of-function variants in ALDH18A1 are known to be pathogenic (PMID: 21739576, 24913064, 28567303, 28604674, 29915212). This variant is not present in population databases (gnomAD no frequency). This variant has not been reported in the literature in individuals affected with ALDH18A1-related conditions. ClinVar contains an entry for this variant (Variation ID: 1333373). For these reasons, this variant has been classified as Pathogenic.

3billion
Classification: Likely pathogenic for Autosomal recessive complex spastic paraplegia type 9B. Last evaluated: 2022-01-03. Review status: criteria provided, single submitter. Criteria: ACMG Guidelines, 2015. Collection method: clinical testing. Allele origin: germline. Affected: yes. Observed: 1 heterozygote.
Comment: Frameshift: predicted to result in a loss or disruption of normal protein function through nonsense-mediated decay (NMD) or protein truncation. Multiple pathogenic variants are reported downstream of the variant (PVS1_VS). It is not observed in the gnomAD v2.1.1 dataset (PM2_M). Therefore, this variant is classified as likely pathogenic according to the recommendation of ACMG/AMP guideline.

Literature cited by the submitters: PubMed 21739576 (cited by Labcorp Genetics (formerly Invitae), Labcorp); PubMed 24913064 (cited by Labcorp Genetics (formerly Invitae), Labcorp); PubMed 28567303 (cited by Labcorp Genetics (formerly Invitae), Labcorp); PubMed 28604674 (cited by Labcorp Genetics (formerly Invitae), Labcorp); PubMed 29915212 (cited by Labcorp Genetics (formerly Invitae), Labcorp).